The following is an entry in ClinVar:

NM_000153.4(GALC):c.1450del (p.Gln484fs)

Gene: GALC (galactosylceramidase; minus strand). Cytogenetic location: 14q31.3.
Variant type: Deletion.
Coding change: c.1450del on transcript NM_000153.4 (MANE Select); coding-DNA position 1450, one base deleted (C; older notation c.1450delC).
Protein change: p.Gln484fs; shifts the reading frame from glutamine 484.
Molecular consequence: frameshift variant.
Genome position (GRCh38, 1-based): chr14:87,947,767, G deleted on the plus strand (C on the coding strand, the reverse complement: GALC is on the minus strand); the first of 3 consecutive G bases (chr14:87,947,767-87,947,769); deleting any one gives the same sequence. VCF-style (leftmost placement, unchanged base first): chr14-87947766-TG-T. GRCh37 (hg19) VCF-style: chr14-88414110-TG-T.
Other names: c.1381del, p.Gln461fs (NM_001201401.2); c.1372del, p.Gln458fs (NM_001201402.2); short protein forms Q458fs, Q461fs, Q484fs.
Identifiers: ClinVar variation 2107597 (VCV002107597.4), dbSNP rs2503362624, ClinGen allele CA2580088868.

ClinVar aggregate classification (germline): Pathogenic (1 of 4 stars; one submission).

Conditions:
Galactosylceramide beta-galactosidase deficiency. Also called: GALACTOCEREBROSIDASE DEFICIENCY; GALC DEFICIENCY; GLOBOID CELL LEUKOENCEPHALOPATHY; Krabbe Disease; Leukodystrophy, Globoid Cell. Identifiers: Orphanet 487, MedGen C0023521, MONDO:0009499, OMIM 245200.

Submission:

Labcorp Genetics (formerly Invitae), Labcorp
Classification: Pathogenic for Galactosylceramide beta-galactosidase deficiency. Last evaluated: 2023-09-08. Review status: criteria provided, single submitter. Criteria: Invitae Variant Classification Sherloc (09022015). Collection method: clinical testing. Allele origin: germline.
Comment: ClinVar contains an entry for this variant (Variation ID: 2107597). This variant has not been reported in the literature in individuals affected with GALC-related conditions. This variant is not present in population databases (gnomAD no frequency). This sequence change creates a premature translational stop signal (p.Gln484Serfs*69) in the GALC gene. It is expected to result in an absent or disrupted protein product. Loss-of-function variants in GALC are known to be pathogenic (PMID: 7437911, 9272171, 16607461). For these reasons, this variant has been classified as Pathogenic.

Literature cited by the submitters: PubMed 7437911; PubMed 9272171; PubMed 16607461.